The following is an entry in ClinVar:

NM_207122.2(EXT2):c.417C>A (p.Asp139Glu)

Gene: EXT2 (exostosin glycosyltransferase 2; plus strand). Cytogenetic location: 11p11.2.
Variant type: single nucleotide variant.
Coding change: c.417C>A on transcript NM_207122.2 (MANE Select); coding-DNA position 417, C replaced by A.
Protein change: p.Asp139Glu; replaces aspartic acid 139 with glutamic acid.
Molecular consequence: missense variant.
Genome position (GRCh38, 1-based): chr11:44,108,129, C>A. VCF-style: chr11-44108129-C-A. GRCh37 (hg19) VCF-style: chr11-44129679-C-A.
Other names: c.516C>A, p.Asp172Glu (NM_000401.3); c.417C>A, p.Asp139Glu (NM_001178083.3, NM_001389628.1, NM_001389630.1); short protein forms D172E, D139E.
Identifiers: ClinVar variation 1978220 (VCV001978220.4), dbSNP rs1299117403, ClinGen allele CA380180305.
Genomic context (GRCh38, chr11:44,108,129, plus strand): 5'-CGTCTCTGTCAGCAACACCATCTCCCGGGAGTATAATGAACTGCTCATGGCCATCTCAGA[C>A]AGTGACTACTACACTGATGACATCAACCGGGCCTGTCTGTTTGTTCCCTCCATCGATGTG-3'
Protein context (NP_997005.1, residues 129-149): EYNELLMAIS[Asp139Glu]SDYYTDDINR

ClinVar aggregate classification (germline): Uncertain significance (1 of 4 stars; one submission).

Conditions:
Exostoses, multiple, type 2 (EXT2). Also called: Hereditary Multiple Osteochondromatosis, Type II; EXOSTOSES, MULTIPLE, TYPE II. Identifiers: Orphanet 321, MedGen C1851413, MONDO:0007586, OMIM 133701.

Submission:

Labcorp Genetics (formerly Invitae), Labcorp
Classification: Uncertain significance for Exostoses, multiple, type 2. Last evaluated: 2022-11-01. Review status: criteria provided, single submitter. Criteria: Invitae Variant Classification Sherloc (09022015). Collection method: clinical testing. Allele origin: germline.
Comment: In summary, the available evidence is currently insufficient to determine the role of this variant in disease. Therefore, it has been classified as a Variant of Uncertain Significance. Advanced modeling of protein sequence and biophysical properties (such as structural, functional, and spatial information, amino acid conservation, physicochemical variation, residue mobility, and thermodynamic stability) performed at Invitae indicates that this missense variant is not expected to disrupt EXT2 protein function. This variant has not been reported in the literature in individuals affected with EXT2-related conditions. This sequence change replaces aspartic acid, which is acidic and polar, with glutamic acid, which is acidic and polar, at codon 139 of the EXT2 protein (p.Asp139Glu). This variant is not present in population databases (gnomAD no frequency).